The following is an entry in ClinVar:

NM_017654.4(SAMD9):c.4582C>G (p.Leu1528Val)

Gene: SAMD9 (sterile alpha motif domain containing 9; minus strand). Cytogenetic location: 7q21.2.
Variant type: single nucleotide variant.
Coding change: c.4582C>G on transcript NM_017654.4 (MANE Select); coding-DNA position 4582, C replaced by G.
Protein change: p.Leu1528Val; replaces leucine 1528 with valine.
Molecular consequence: missense variant.
Genome position (GRCh38, 1-based): chr7:93,101,516, G>C on the plus strand (C>G on the coding strand, the complement: SAMD9 is on the minus strand). VCF-style: chr7-93101516-G-C. GRCh37 (hg19) VCF-style: chr7-92730829-G-C.
Other names: c.4582C>G, p.Leu1528Val (NM_001193307.2); short protein forms L1528V.
Identifiers: ClinVar variation 5028732 (VCV005028732.1).

ClinVar aggregate classification (germline): Uncertain significance (1 of 4 stars; one submission).

Conditions:
Inborn genetic diseases. Identifiers: MedGen C0950123, MeSH D030342.

Submission:

Ambry Genetics
Classification: Uncertain significance for Inborn genetic diseases. Last evaluated: 2026-06-19. Review status: criteria provided, single submitter. Criteria: Ambry Variant Classification Scheme 2023. Collection method: clinical testing. Allele origin: germline.
Comment: The p.L1528V variant (also known as c.4582C>G), located in coding exon 1 of the SAMD9 gene, results from a C to G substitution at nucleotide position 4582. The leucine at codon 1528 is replaced by valine, an amino acid with highly similar properties. This amino acid position is conserved. In addition, this alteration is predicted to be tolerated by in silico analysis. Based on the available evidence, the clinical significance of this variant remains unclear.